The following is an entry in ClinVar:

NM_000096.4(CP):c.848G>C (p.Trp283Ser)

Gene: CP (ceruloplasmin; minus strand). Cytogenetic location: 3q25.1.
Variant type: single nucleotide variant.
Coding change: c.848G>C on transcript NM_000096.4 (MANE Select); coding-DNA position 848, G replaced by C.
Protein change: p.Trp283Ser; replaces tryptophan 283 with serine.
Molecular consequence: missense variant. On other transcripts: non-coding transcript variant (1).
Genome position (GRCh38, 1-based): chr3:149,207,551, C>G on the plus strand (G>C on the coding strand, the complement: CP is on the minus strand). VCF-style: chr3-149207551-C-G. GRCh37 (hg19) VCF-style: chr3-148925338-C-G.
Other names: W264S; short protein forms W283S.
Identifiers: ClinVar variation 42126 (VCV000042126.7), dbSNP rs386134126, ClinGen allele CA344580.

ClinVar aggregate classification (germline): Likely pathogenic. Review status: criteria provided, single submitter (1 of 4 stars). 2 submissions from 2 submitters: Likely pathogenic (1). 1 of the submissions does not count toward it. Last evaluated 2021-12-30.

Conditions:
Deficiency of ferroxidase (ACEP). Also called: Deficiency of ceruloplasmin; Aceruloplasminemia; Ceruloplasmin deficiency; Familial apoceruloplasmin deficiency; Hereditary ceruloplasmin deficiency; NEURODEGENERATION WITH BRAIN IRON ACCUMULATION 10. Identifiers: Orphanet 48818, MedGen C0878682, MONDO:0011426, OMIM 604290, HP:0025498.

Submissions (2):

Labcorp Genetics (formerly Invitae), Labcorp
Classification: Likely pathogenic for Deficiency of ferroxidase. Last evaluated: 2021-12-30. Review status: criteria provided, single submitter. Criteria: Invitae Variant Classification Sherloc (09022015). Collection method: clinical testing. Allele origin: germline.
Comment: This sequence change replaces tryptophan, which is neutral and slightly polar, with serine, which is neutral and polar, at codon 283 of the CP protein (p.Trp283Ser). In summary, the currently available evidence indicates that the variant is pathogenic, but additional data are needed to prove that conclusively. Therefore, this variant has been classified as Likely Pathogenic. Experimental studies have shown that this missense change does not substantially affect CP function (PMID: 19095659). Advanced modeling of protein sequence and biophysical properties (such as structural, functional, and spatial information, amino acid conservation, physicochemical variation, residue mobility, and thermodynamic stability) performed at Invitae indicates that this missense variant is expected to disrupt CP protein function. ClinVar contains an entry for this variant (Variation ID: 42126). This variant is also known as W264S. This missense change has been observed in individual(s) with clinical features of aceruloplasminemia (PMID: 17013908). It has also been observed to segregate with disease in related individuals. This variant is not present in population databases (gnomAD no frequency).

GeneReviews
Classification: Pathogenic for Aceruloplasminemia. Last evaluated: 2013-04-18. Review status: no assertion criteria provided. Collection method: curation. Allele origin: unknown. Not counted in ClinVar's aggregate classification.
ClinVar note: Converted during submission from pathologic to Pathogenic.

Literature cited by the submitters: PubMed 19095659 (cited by Labcorp Genetics (formerly Invitae), Labcorp); PubMed 17013908 (cited by Labcorp Genetics (formerly Invitae), Labcorp).